The following is an entry in ClinVar:

ClinVar aggregate classification (germline): Uncertain significance (1 of 4 stars; one submission).

Conditions:
Inborn genetic diseases. Identifiers: MedGen C0950123, MeSH D030342.

Submission:

Ambry Genetics
Classification: Uncertain significance for Inborn genetic diseases. Last evaluated: 2025-02-15. Review status: criteria provided, single submitter. Criteria: Ambry Variant Classification Scheme 2023. Collection method: clinical testing. Allele origin: germline.
Comment: The p.V208M variant (also known as c.622G>A), located in coding exon 6 of the PAX5 gene, results from a G to A substitution at nucleotide position 622. The valine at codon 208 is replaced by methionine, an amino acid with highly similar properties. This amino acid position is conserved. In addition, the in silico prediction for this alteration is inconclusive. Based on the available evidence, the clinical significance of this variant remains unclear.

NM_016734.3(PAX5):c.622G>A (p.Val208Met)

Gene: PAX5 (paired box 5; minus strand). Cytogenetic location: 9p13.2.
Variant type: single nucleotide variant.
Coding change: c.622G>A on transcript NM_016734.3 (MANE Select); coding-DNA position 622, G replaced by A.
Protein change: p.Val208Met; replaces valine 208 with methionine.
Molecular consequence: missense variant. On other transcripts: non-coding transcript variant (2).
Genome position (GRCh38, 1-based): chr9:36,966,707, C>T on the plus strand (G>A on the coding strand, the complement: PAX5 is on the minus strand). VCF-style: chr9-36966707-C-T. GRCh37 (hg19) VCF-style: chr9-36966704-C-T.
Other names: c.622G>A, p.Val208Met (NM_001280547.2, NM_001280548.2, NM_001280549.2 and 2 more transcripts); c.298G>A, p.Val100Met (NM_001280551.2, NM_001280556.2); c.493G>A, p.Val165Met (NM_001280553.2, NM_001280554.2); c.424G>A, p.Val142Met (NM_001280555.2); short protein forms V142M, V165M, V100M, V208M.
Identifiers: ClinVar variation 3885956 (VCV003885956.1).